The following is an entry in ClinVar:

ClinVar aggregate classification (germline): Uncertain significance. Review status: criteria provided, multiple submitters, no conflicts (2 of 4 stars). 2 submissions from 2 submitters: Uncertain significance (2). Last evaluated 2024-06-02.

Conditions:
Neuronal ceroid lipofuscinosis 11. Also called: GRN-Related Neuronal Ceroid-Lipofuscinosis. Identifiers: Orphanet 314629, Orphanet 79262, MedGen C3539123, MONDO:0013866, OMIM 614706.
GRN-related frontotemporal lobar degeneration with Tdp43 inclusions (FTD2). Also called: DEMENTIA, HEREDITARY DYSPHASIC DISINHIBITION; FRONTOTEMPORAL LOBAR DEGENERATION WITH UBIQUITIN-POSITIVE INCLUSIONS; FTLD-TDP, GRN-RELATED; GRN Frontotemporal Dementia; FRONTOTEMPORAL DEMENTIA WITH TDP43 INCLUSIONS, GRN-RELATED. Identifiers: Orphanet 100070, Orphanet 282, MedGen C1843792, MONDO:0011842, OMIM 607485. Disease mechanism: loss of function.
Inborn genetic diseases. Identifiers: MedGen C0950123, MeSH D030342.

Allele frequency attached by ClinVar (database versions not stated): gnomAD 0.00003; TOPMed 0.00005.
gnomAD v4.1: 18 of 1,613,634 alleles (0.0011%); highest among the groups gnomAD compares: African/African-American, 0.0093%; no homozygotes.

Submissions (2):

Ambry Genetics
Classification: Uncertain significance for Inborn genetic diseases. Last evaluated: 2024-06-02. Review status: criteria provided, single submitter. Criteria: Ambry Variant Classification Scheme 2023. Collection method: clinical testing. Allele origin: germline.

Labcorp Genetics (formerly Invitae), Labcorp
Classification: Uncertain significance for Neuronal ceroid lipofuscinosis 11; GRN-related frontotemporal lobar degeneration with Tdp43 inclusions. Last evaluated: 2024-04-05. Review status: criteria provided, single submitter. Criteria: Invitae Variant Classification Sherloc (09022015). Collection method: clinical testing. Allele origin: germline.
Comment: This sequence change replaces arginine, which is basic and polar, with histidine, which is basic and polar, at codon 432 of the GRN protein (p.Arg432His). This variant is present in population databases (no rsID available, gnomAD 0.008%). This variant has not been reported in the literature in individuals affected with GRN-related conditions. ClinVar contains an entry for this variant (Variation ID: 2262853). Advanced modeling of protein sequence and biophysical properties (such as structural, functional, and spatial information, amino acid conservation, physicochemical variation, residue mobility, and thermodynamic stability) performed at Invitae indicates that this missense variant is not expected to disrupt GRN protein function with a negative predictive value of 80%. In summary, the available evidence is currently insufficient to determine the role of this variant in disease. Therefore, it has been classified as a Variant of Uncertain Significance.

NM_002087.4(GRN):c.1295G>A (p.Arg432His)

Gene: GRN (granulin precursor; plus strand). Cytogenetic location: 17q21.31.
Variant type: single nucleotide variant.
Coding change: c.1295G>A on transcript NM_002087.4 (MANE Select); coding-DNA position 1295, G replaced by A.
Protein change: p.Arg432His; replaces arginine 432 with histidine.
Molecular consequence: missense variant.
Genome position (GRCh38, 1-based): chr17:44,352,130, G>A. VCF-style: chr17-44352130-G-A. GRCh37 (hg19) VCF-style: chr17-42429498-G-A.
Other names: short protein forms R432H.
Identifiers: ClinVar variation 2262853 (VCV002262853.6), dbSNP rs920618508, ClinGen allele CA290926750.